The following is an entry in ClinVar:

NM_007294.4(BRCA1):c.4387T>A (p.Tyr1463Asn)

Gene: BRCA1 (BRCA1 DNA repair associated; minus strand). Cytogenetic location: 17q21.31.
Variant type: single nucleotide variant.
Coding change: c.4387T>A on transcript NM_007294.4 (MANE Select); coding-DNA position 4387, T replaced by A.
Protein change: p.Tyr1463Asn; replaces tyrosine 1463 with asparagine.
Molecular consequence: missense variant. On other transcripts: non-coding transcript variant (1).
Genome position (GRCh38, 1-based): chr17:43,076,585, A>T on the plus strand (T>A on the coding strand, the complement: BRCA1 is on the minus strand). VCF-style: chr17-43076585-A-T. GRCh37 (hg19) VCF-style: chr17-41228602-A-T.
Other names: c.4174T>A, p.Tyr1392Asn (NM_001407571.1, NM_001407906.1, NM_001407907.1 and 12 more transcripts); c.4453T>A, p.Tyr1485Asn (NM_001407581.1, NM_001407582.1); c.4450T>A, p.Tyr1484Asn (NM_001407583.1, NM_001407585.1, NM_001407587.1 and 1 more transcripts); c.4447T>A, p.Tyr1483Asn (NM_001407590.1, NM_001407591.1); c.4384T>A, p.Tyr1462Asn (NM_001407613.1, NM_001407614.1, NM_001407615.1 and 17 more transcripts); c.4381T>A, p.Tyr1461Asn (NM_001407632.1, NM_001407633.1, NM_001407634.1 and 14 more transcripts); c.4309T>A, p.Tyr1437Asn (NM_001407654.1, NM_001407655.1, NM_001407653.1); c.4306T>A, p.Tyr1436Asn (NM_001407656.1, NM_001407657.1, NM_001407658.1); and 68 more; short protein forms Y1463N, Y359N, Y1416N, Y1484N, Y1336N, Y1373N, Y1396N, Y1419N.
Identifiers: ClinVar variation 938286 (VCV000938286.12), dbSNP rs1163509151, ClinGen allele CA10592764.

ClinVar aggregate classification (germline): Uncertain significance. Review status: criteria provided, multiple submitters, no conflicts (2 of 4 stars). 2 submissions from 2 submitters: Uncertain significance (2). Last evaluated 2025-12-28.

Conditions:
Hereditary breast ovarian cancer syndrome. Also called: Hereditary breast and ovarian cancer; Breast and ovarian cancer; BRCA1- and BRCA2-Associated Hereditary Breast and Ovarian Cancer; Hereditary breast and ovarian cancer syndrome (HBOC); Hereditary breast and/or ovarian cancer syndrome; Hereditary breast and ovarian cancer syndrome. Identifiers: Orphanet 145, MedGen C0677776, MeSH D061325, MONDO:0003582. Disease mechanism: loss of function.
Hereditary cancer-predisposing syndrome. Also called: Tumor predisposition; Hereditary neoplastic syndrome; Hereditary Cancer Syndrome; Neoplastic Syndromes, Hereditary. Identifiers: Orphanet 140162, MedGen C0027672, MeSH D009386, MONDO:0015356.

Submissions (2):

Ambry Genetics
Classification: Uncertain significance for Hereditary cancer-predisposing syndrome. Last evaluated: 2025-12-28. Review status: criteria provided, single submitter. Criteria: Ambry Variant Classification Scheme 2023. Collection method: clinical testing. Allele origin: germline.
Comment: The p.Y1463N variant (also known as c.4387T>A), located in coding exon 12 of the BRCA1 gene, results from a T to A substitution at nucleotide position 4387. The tyrosine at codon 1463 is replaced by asparagine, an amino acid with dissimilar properties. This amino acid position is conserved. In addition, this alteration is predicted to be tolerated by in silico analysis. Based on the available evidence, the clinical significance of this variant remains unclear.

Labcorp Genetics (formerly Invitae), Labcorp
Classification: Uncertain significance for Hereditary breast ovarian cancer syndrome. Last evaluated: 2019-09-29. Review status: criteria provided, single submitter. Criteria: Invitae Variant Classification Sherloc (09022015). Collection method: clinical testing. Allele origin: germline.
Comment: In summary, the available evidence is currently insufficient to determine the role of this variant in disease. Therefore, it has been classified as a Variant of Uncertain Significance. Algorithms developed to predict the effect of missense changes on protein structure and function output the following: SIFT: "Tolerated"; PolyPhen-2: "Benign"; Align-GVGD: "Class C0". The asparagine amino acid residue is found in multiple mammalian species, suggesting that this missense change does not adversely affect protein function. These predictions have not been confirmed by published functional studies and their clinical significance is uncertain. This variant has not been reported in the literature in individuals with BRCA1-related conditions. This variant is not present in population databases (ExAC no frequency). This sequence change replaces tyrosine with asparagine at codon 1463 of the BRCA1 protein (p.Tyr1463Asn). The tyrosine residue is weakly conserved and there is a large physicochemical difference between tyrosine and asparagine.